The following is an entry in ClinVar:

ClinVar aggregate classification (germline): Uncertain significance. Review status: criteria provided, multiple submitters, no conflicts (2 of 4 stars). 2 submissions from 2 submitters: Uncertain significance (2). Last evaluated 2025-06-15.

Submissions (2):

Labcorp Genetics (formerly Invitae), Labcorp
Classification: Uncertain significance. Last evaluated: 2025-06-15. Review status: criteria provided, single submitter. Criteria: Invitae Variant Classification Sherloc (09022015). Collection method: clinical testing. Allele origin: germline.
Comment: This sequence change replaces tyrosine, which is neutral and polar, with cysteine, which is neutral and slightly polar, at codon 208 of the TRIM28 protein (p.Tyr208Cys). This variant is present in population databases (no rsID available, gnomAD 0.0009%). This variant has not been reported in the literature in individuals affected with TRIM28-related conditions. Experimental studies and prediction algorithms are not available or were not evaluated, and the functional significance of this variant is currently unknown. In summary, the available evidence is currently insufficient to determine the role of this variant in disease. Therefore, it has been classified as a Variant of Uncertain Significance.

Ambry Genetics
Classification: Uncertain significance. Last evaluated: 2025-05-13. Review status: criteria provided, single submitter. Criteria: Ambry Variant Classification Scheme 2023. Collection method: clinical testing. Allele origin: germline.

NM_005762.3(TRIM28):c.623A>G (p.Tyr208Cys)

Gene: TRIM28 (tripartite motif containing 28; plus strand). Cytogenetic location: 19q13.43.
Variant type: single nucleotide variant.
Coding change: c.623A>G on transcript NM_005762.3 (MANE Select); coding-DNA position 623, A replaced by G.
Protein change: p.Tyr208Cys; replaces tyrosine 208 with cysteine.
Molecular consequence: missense variant.
Genome position (GRCh38, 1-based): chr19:58,547,412, A>G. VCF-style: chr19-58547412-A-G. GRCh37 (hg19) VCF-style: chr19-59058779-A-G.
Other names: short protein forms Y208C.
Identifiers: ClinVar variation 3973370 (VCV003973370.2).